The following is an entry in ClinVar:

NM_004385.5(VCAN):c.3229G>A (p.Glu1077Lys)

Gene: VCAN (versican; plus strand). Cytogenetic location: 5q14.3.
Variant type: single nucleotide variant.
Coding change: c.3229G>A on transcript NM_004385.5 (MANE Select); coding-DNA position 3229, G replaced by A.
Protein change: p.Glu1077Lys; replaces glutamic acid 1077 with lysine.
Molecular consequence: missense variant. On other transcripts: intron variant (2).
Genome position (GRCh38, 1-based): chr5:83,521,535, G>A. VCF-style: chr5-83521535-G-A. GRCh37 (hg19) VCF-style: chr5-82817354-G-A.
Other names: c.3229G>A, p.Glu1077Lys (NM_001164098.2); c.1042+9139G>A (NM_001164097.2, NM_001126336.3); short protein forms E1077K.
Identifiers: ClinVar variation 4766569 (VCV004766569.1).

ClinVar aggregate classification (germline): Uncertain significance (1 of 4 stars; one submission).

gnomAD v4.1: 3 of 1,613,924 alleles (0.00019%); highest among the groups gnomAD compares: African/African-American, 0.0027%; no homozygotes.

Submission:

Labcorp Genetics (formerly Invitae), Labcorp
Classification: Uncertain significance. Last evaluated: 2025-04-11. Review status: criteria provided, single submitter. Criteria: Invitae Variant Classification Sherloc (09022015). Collection method: clinical testing. Allele origin: germline.
Comment: This sequence change replaces glutamic acid, which is acidic and polar, with lysine, which is basic and polar, at codon 1077 of the VCAN protein (p.Glu1077Lys). This variant is not present in population databases (gnomAD no frequency). This variant has not been reported in the literature in individuals affected with VCAN-related conditions. An algorithm developed to predict the effect of missense changes on protein structure and function (PolyPhen-2) suggests that this variant is likely to be tolerated. In summary, the available evidence is currently insufficient to determine the role of this variant in disease. Therefore, it has been classified as a Variant of Uncertain Significance.